The following is an entry in ClinVar:

ClinVar aggregate classification (germline): Benign. Review status: criteria provided, multiple submitters, no conflicts (2 of 4 stars). 2 submissions from 2 submitters: Benign (2). Last evaluated 2018-06-14.

Conditions:
Wolfram syndrome 1 (WFS1). Identifiers: Orphanet 3463, MedGen C4551693, MONDO:0009101, OMIM 222300.

Allele frequency attached by ClinVar (database versions not stated): gnomAD 0.59793 and 0.60598; TOPMed 0.61274; 1000 Genomes Project 0.67991.
gnomAD v4.1: 91,984 of 152,024 alleles (61%); highest among the groups gnomAD compares: East Asian, 93%; 28,524 homozygotes.

Submissions (8):

GeneDx
Classification: Benign. Last evaluated: 2018-06-14. Review status: criteria provided, single submitter. Criteria: GeneDx Variant Classification (06012015). Collection method: clinical testing. Allele origin: germline. Affected: yes.
Comment: This variant is considered likely benign or benign based on one or more of the following criteria: it is a conservative change, it occurs at a poorly conserved position in the protein, it is predicted to be benign by multiple in silico algorithms, and/or has population frequency not consistent with disease.

Clinical Genomics, Uppaluri K&H Personalized Medicine Clinic
Classification: Benign for Wolfram syndrome 1. Review status: criteria provided, single submitter. Criteria: K & H Uppaluri Personalized Medicine Clinic Variant Classification & Assertion Criteria_Updated V.1. Collection method: research. Allele origin: unknown. Inheritance: Autosomal recessive inheritance.
Comment: Potent mutations in WFS1 gene are associated with Wolfram's syndrome, an autosomal recessive condition, which cause diabetes mellitus, diabetes insipidus, deafness and optic atrophy. However no sufficient evidence is found to ascertain the role of this particular variant rs11732178 in Wolfram's syndrome yet.

Dr. Peter K. Rogan Lab, Western University
No classification provided (evidence only). Condition: Lung cancer. Review status: no classification provided. Collection method: in vitro. Allele origin: not applicable. Functional consequence: retained intron. Not counted in ClinVar's aggregate classification.

Dr. Peter K. Rogan Lab, Western University
No classification provided (evidence only). Condition: Lung cancer. Review status: no classification provided. Collection method: in vitro. Allele origin: not applicable. Functional consequence: retained intron. Not counted in ClinVar's aggregate classification.

Dr. Peter K. Rogan Lab, Western University
No classification provided (evidence only). Condition: Hepatocellular carcinoma. Review status: no classification provided. Collection method: in vitro. Allele origin: not applicable. Functional consequence: retained intron. Not counted in ClinVar's aggregate classification.

Dr. Peter K. Rogan Lab, Western University
No classification provided (evidence only). Condition: Malignant tumor of esophagus. Review status: no classification provided. Collection method: in vitro. Allele origin: not applicable. Functional consequence: retained intron. Not counted in ClinVar's aggregate classification.

Dr. Peter K. Rogan Lab, Western University
No classification provided (evidence only). Condition: Malignant tumor of esophagus. Review status: no classification provided. Collection method: in vitro. Allele origin: not applicable. Functional consequence: retained intron. Not counted in ClinVar's aggregate classification.

Dr. Peter K. Rogan Lab, Western University
No classification provided (evidence only). Condition: Malignant tumor of esophagus. Review status: no classification provided. Collection method: in vitro. Allele origin: not applicable. Functional consequence: retained intron. Not counted in ClinVar's aggregate classification.

Literature cited by the submitters: PubMed 20738327 (cited by Clinical Genomics, Uppaluri K&H Personalized Medicine Clinic); PubMed 33879153 (cited by Clinical Genomics, Uppaluri K&H Personalized Medicine Clinic); PubMed 12955714 (cited by Clinical Genomics, Uppaluri K&H Personalized Medicine Clinic); PubMed 18060660 (cited by Clinical Genomics, Uppaluri K&H Personalized Medicine Clinic); PubMed 20301750 (cited by Clinical Genomics, Uppaluri K&H Personalized Medicine Clinic); PubMed 17603484 (cited by Clinical Genomics, Uppaluri K&H Personalized Medicine Clinic).

NM_006005.3(WFS1):c.461-281G>C

Gene: WFS1 (wolframin ER transmembrane glycoprotein; plus strand). Cytogenetic location: 4p16.1.
Variant type: single nucleotide variant.
Coding change: c.461-281G>C on transcript NM_006005.3 (MANE Select); 281 bases into the intron before coding-DNA position 461, G replaced by C.
Molecular consequence: intron variant.
Genome position (GRCh38, 1-based): chr4:6,290,916, G>C. VCF-style: chr4-6290916-G-C. GRCh37 (hg19) VCF-style: chr4-6292643-G-C.
Other names: NC_000004.11:g.6292643G>C; c.461-281G>C (NM_001145853.1).
Identifiers: ClinVar variation 684341 (VCV000684341.3), dbSNP rs11732178, ClinGen allele CA11634617.
Genomic context (GRCh38, chr4:6,290,916, plus strand): 5'-CTGACTGTGTGACCTTGAGTGAGCCAGAACACAGGCCTGTGCCTCCGGGTCTGCACCTCT[G>C]AGAGAGGGGAGGAACAGGAAGAGGCTGCCTTCTTCCCGCCAGCATGTAGGGGGCACTTGG-3'